The following is an entry in ClinVar:

NC_000007.13:g.(?_20994491)_(23213917_?)dup

Genes: IL6 (interleukin 6; plus strand), IL6-AS1 (IL6 antisense RNA 1; minus strand), KLHL7 (kelch like family member 7; plus strand), KLHL7-DT (KLHL7 divergent transcript; minus strand), SP4 (Sp4 transcription factor; plus strand) and 6 more. Cytogenetic location: 7p15.3.
Variant type: Duplication.
Identifiers: ClinVar variation 1410399 (VCV001410399.11).

ClinVar aggregate classification (germline): Uncertain significance (1 of 4 stars; one submission).

Conditions:
Primary ciliary dyskinesia. Also called: Ciliary dyskinesia. Identifiers: Orphanet 244, MedGen C0008780, MONDO:0016575, HP:0012265.

Submission:

Labcorp Genetics (formerly Invitae), Labcorp
Classification: Uncertain significance for Primary ciliary dyskinesia. Last evaluated: 2021-10-14. Review status: criteria provided, single submitter. Criteria: Invitae Variant Classification Sherloc (09022015). Collection method: clinical testing. Allele origin: germline.
Comment: A copy number gain of the genomic region encompassing the full coding sequence of the DNAH11 gene has been identified. The boundaries of this event are unknown as they extend beyond the assayed region for this gene and therefore may encompass additional genes. As the precise location of this event is unknown, it may be in tandem or it may be located elsewhere in the genome. This variant has not been reported in the literature in individuals affected with DNAH11-related conditions. Experimental studies and prediction algorithms are not available or were not evaluated, and the functional significance of this variant is currently unknown. In summary, the available evidence is currently insufficient to determine the role of this variant in disease. Therefore, it has been classified as a Variant of Uncertain Significance.